The following is an entry in ClinVar:

ClinVar aggregate classification (germline): Uncertain significance. Review status: criteria provided, multiple submitters, no conflicts (2 of 4 stars). 2 submissions from 2 submitters: Uncertain significance (2). Last evaluated 2022-05-05.

Allele frequency attached by ClinVar (database versions not stated): gnomAD exomes below 0.00001.
gnomAD v4.1: 2 of 1,614,008 alleles (0.00012%); highest among the groups gnomAD compares: Non-Finnish European, 0.00017%; no homozygotes.

Submissions (2):

Labcorp Genetics (formerly Invitae), Labcorp
Classification: Uncertain significance. Last evaluated: 2022-05-05. Review status: criteria provided, single submitter. Criteria: Invitae Variant Classification Sherloc (09022015). Collection method: clinical testing. Allele origin: germline.
Comment: ClinVar contains an entry for this variant (Variation ID: 1311577). In summary, the available evidence is currently insufficient to determine the role of this variant in disease. Therefore, it has been classified as a Variant of Uncertain Significance. Advanced modeling of protein sequence and biophysical properties (such as structural, functional, and spatial information, amino acid conservation, physicochemical variation, residue mobility, and thermodynamic stability) performed at Invitae indicates that this missense variant is not expected to disrupt FLNB protein function. This variant has not been reported in the literature in individuals affected with FLNB-related conditions. This variant is not present in population databases (gnomAD no frequency). This sequence change replaces threonine, which is neutral and polar, with alanine, which is neutral and non-polar, at codon 2443 of the FLNB protein (p.Thr2443Ala).

GeneDx
Classification: Uncertain significance. Last evaluated: 2019-12-27. Review status: criteria provided, single submitter. Criteria: GeneDx Variant Classification Process June 2021. Collection method: clinical testing. Allele origin: germline. Affected: yes.
Comment: Not observed in large population cohorts (Lek et al., 2016); In addition, in silico splice predictors suggest this variant may lead to abnormal gene splicing. In the absence of RNA/functional studies, the actual effect of this sequence change is unknown; In silico analysis, which includes protein predictors and evolutionary conservation, supports a deleterious effect; Has not been previously published as pathogenic or benign to our knowledge

NM_001457.4(FLNB):c.7327A>G (p.Thr2443Ala)

Genes: FLNB (filamin B; plus strand), FLNB-AS1 (FLNB antisense RNA 1; minus strand). Cytogenetic location: 3p14.3.
Variant type: single nucleotide variant.
Coding change: c.7327A>G on transcript NM_001457.4 (MANE Select); coding-DNA position 7327, A replaced by G.
Protein change: p.Thr2443Ala; replaces threonine 2443 with alanine.
Molecular consequence: missense variant.
Genome position (GRCh38, 1-based): chr3:58,168,568, A>G. VCF-style: chr3-58168568-A-G. GRCh37 (hg19) VCF-style: chr3-58154295-A-G.
Other names: c.7420A>G, p.Thr2474Ala (NM_001164317.2); c.7294A>G, p.Thr2432Ala (NM_001164318.2); c.7255A>G, p.Thr2419Ala (NM_001164319.2); short protein forms T2419A, T2432A, T2443A, T2474A.
Identifiers: ClinVar variation 1311577 (VCV001311577.6), dbSNP rs2107339978, ClinGen allele CA353334873.